The following is an entry in ClinVar:

NM_000094.4(COL7A1):c.49G>C (p.Glu17Gln)

Gene: COL7A1 (collagen type VII alpha 1 chain; minus strand). Cytogenetic location: 3p21.31.
Variant type: single nucleotide variant.
Coding change: c.49G>C on transcript NM_000094.4 (MANE Select); coding-DNA position 49, G replaced by C.
Protein change: p.Glu17Gln; replaces glutamic acid 17 with glutamine.
Molecular consequence: missense variant.
Genome position (GRCh38, 1-based): chr3:48,595,111, C>G on the plus strand (G>C on the coding strand, the complement: COL7A1 is on the minus strand). VCF-style: chr3-48595111-C-G. GRCh37 (hg19) VCF-style: chr3-48632544-C-G.
Other names: short protein forms E17Q.
Identifiers: ClinVar variation 1981155 (VCV001981155.4), dbSNP rs748723344, ClinGen allele CA2381676.
Genomic context (GRCh38, chr3:48,595,111, plus strand): 5'-CGGGTCCTCCCTTGCGGTGCCCACCTCTCTCCCTGTGCTGGGCTCGCACTCGGGGCGCCT[C>G]TGCCAGGATCCCGGCGCAGAGCGCGGCCACCAGAAGCCGCAGCGTCATCCTAGGCAGTAA-3'
Protein context (NP_000085.1, residues 7-27): VAALCAGILA[Glu17Gln]APRVRAQHRE

ClinVar aggregate classification (germline): Uncertain significance. Review status: criteria provided, multiple submitters, no conflicts (2 of 4 stars). 2 submissions from 2 submitters: Uncertain significance (2). Last evaluated 2025-12-20.

Allele frequency attached by ClinVar (database versions not stated): gnomAD exomes below 0.00001; ExAC 0.00006.
gnomAD v4.1: 4 of 1,555,042 alleles (0.00026%); highest among the groups gnomAD compares: Non-Finnish European, 0.00035%; no homozygotes.

Submissions (2):

Labcorp Genetics (formerly Invitae), Labcorp
Classification: Uncertain significance. Last evaluated: 2025-12-20. Review status: criteria provided, single submitter. Criteria: Invitae Variant Classification Sherloc (09022015). Collection method: clinical testing. Allele origin: germline.
Comment: This sequence change replaces glutamic acid, which is acidic and polar, with glutamine, which is neutral and polar, at codon 17 of the COL7A1 protein (p.Glu17Gln). This variant is not present in population databases (gnomAD no frequency). This variant has not been reported in the literature in individuals affected with COL7A1-related conditions. ClinVar contains an entry for this variant (Variation ID: 1981155). Invitae Evidence Modeling of protein sequence and biophysical properties (such as structural, functional, and spatial information, amino acid conservation, physicochemical variation, residue mobility, and thermodynamic stability) indicates that this missense variant is not expected to disrupt COL7A1 protein function with a negative predictive value of 95%. In summary, the available evidence is currently insufficient to determine the role of this variant in disease. Therefore, it has been classified as a Variant of Uncertain Significance.

Women's Health and Genetics/Laboratory Corporation of America, LabCorp
Classification: Uncertain significance. Last evaluated: 2025-11-27. Review status: criteria provided, single submitter. Criteria: LabCorp Variant Classification Summary - May 2015. Collection method: clinical testing. Allele origin: germline.